The following is an entry in ClinVar:

ClinVar aggregate classification (germline): Uncertain significance (1 of 4 stars; one submission).

Conditions:
Familial cancer of breast. Also called: hereditary breast carcinoma; BREAST CANCER, FAMILIAL; Hereditary breast cancer. Identifiers: Orphanet 227535, MedGen C0346153, MONDO:0016419, OMIM 114480. Disease mechanism: loss of function.

Submission:

Labcorp Genetics (formerly Invitae), Labcorp
Classification: Uncertain significance for Familial cancer of breast. Last evaluated: 2023-10-18. Review status: criteria provided, single submitter. Criteria: Invitae Variant Classification Sherloc (09022015). Collection method: clinical testing. Allele origin: germline.
Comment: This sequence change replaces lysine, which is basic and polar, with glutamine, which is neutral and polar, at codon 517 of the PALB2 protein (p.Lys517Gln). This variant is not present in population databases (gnomAD no frequency). This variant has not been reported in the literature in individuals affected with PALB2-related conditions. Advanced modeling of protein sequence and biophysical properties (such as structural, functional, and spatial information, amino acid conservation, physicochemical variation, residue mobility, and thermodynamic stability) performed at Invitae indicates that this missense variant is expected to disrupt PALB2 protein function. In summary, the available evidence is currently insufficient to determine the role of this variant in disease. Therefore, it has been classified as a Variant of Uncertain Significance.

NM_024675.4(PALB2):c.1549A>C (p.Lys517Gln)

Gene: PALB2 (partner and localizer of BRCA2; minus strand). Cytogenetic location: 16p12.2.
Variant type: single nucleotide variant.
Coding change: c.1549A>C on transcript NM_024675.4 (MANE Select); coding-DNA position 1549, A replaced by C.
Protein change: p.Lys517Gln; replaces lysine 517 with glutamine.
Molecular consequence: missense variant. On other transcripts: intron variant (3).
Genome position (GRCh38, 1-based): chr16:23,634,997, T>G on the plus strand (A>C on the coding strand, the complement: PALB2 is on the minus strand). VCF-style: chr16-23634997-T-G. GRCh37 (hg19) VCF-style: chr16-23646318-T-G.
Other names: c.1489A>C, p.Lys497Gln (NM_001407296.1); c.1549A>C, p.Lys517Gln (NM_001407297.1, NM_001407298.1, NM_001407299.1 and 3 more transcripts); c.664A>C, p.Lys222Gln (NM_001407304.1, NM_001407305.1, NM_001407306.1 and 5 more transcripts); c.49-5722A>C (NM_001407314.1); c.-104-4528A>C (NM_001407313.1, NM_001407312.1); short protein forms K222Q, K517Q, K497Q.
Identifiers: ClinVar variation 2769778 (VCV002769778.3), dbSNP rs2506473795, ClinGen allele CA395130837.